The following is an entry in ClinVar:

NM_133259.4(LRPPRC):c.2504+128G>C

Gene: LRPPRC (leucine rich pentatricopeptide repeat containing; minus strand). Cytogenetic location: 2p21.
Variant type: single nucleotide variant.
Coding change: c.2504+128G>C on transcript NM_133259.4 (MANE Select); 128 bases into the intron after coding-DNA position 2504, G replaced by C.
Molecular consequence: intron variant.
Genome position (GRCh38, 1-based): chr2:43,943,559, C>G on the plus strand (G>C on the coding strand, the complement: LRPPRC is on the minus strand). VCF-style: chr2-43943559-C-G. GRCh37 (hg19) VCF-style: chr2-44170698-C-G.
Identifiers: ClinVar variation 677294 (VCV000677294.1), dbSNP rs75856196, ClinGen allele CA46458668.

ClinVar aggregate classification (germline): Likely benign (1 of 4 stars; one submission).

Allele frequency attached by ClinVar (database versions not stated): gnomAD 0.00973; TOPMed 0.01079; 1000 Genomes Project 0.01318; 1000 Genomes Project 30x 0.01343.
gnomAD v4.1: 2,149 of 766,358 alleles (0.28%); highest among the groups gnomAD compares: African/African-American, 3.2%; 29 homozygotes.

Submission:

GeneDx
Classification: Likely benign. Last evaluated: 2018-06-14. Review status: criteria provided, single submitter. Criteria: GeneDx Variant Classification (06012015). Collection method: clinical testing. Allele origin: germline. Affected: yes.
Comment: This variant is considered likely benign or benign based on one or more of the following criteria: it is a conservative change, it occurs at a poorly conserved position in the protein, it is predicted to be benign by multiple in silico algorithms, and/or has population frequency not consistent with disease.